The following is an entry in ClinVar:

ClinVar aggregate classification (germline): Uncertain significance (1 of 4 stars; one submission).

Conditions:
Neurodegeneration with brain iron accumulation 5 (NBIA5). Also called: STATIC ENCEPHALOPATHY OF CHILDHOOD WITH NEURODEGENERATION IN ADULTHOOD; Beta-propeller protein-associated neurodegeneration. Identifiers: Orphanet 329284, MedGen C3550973, MONDO:0010476, OMIM 300894.

Submission:

Labcorp Genetics (formerly Invitae), Labcorp
Classification: Uncertain significance for Neurodegeneration with brain iron accumulation 5. Last evaluated: 2022-10-02. Review status: criteria provided, single submitter. Criteria: Invitae Variant Classification Sherloc (09022015). Collection method: clinical testing. Allele origin: germline.
Comment: This variant is not present in population databases (gnomAD no frequency). This sequence change replaces serine, which is neutral and polar, with cysteine, which is neutral and slightly polar, at codon 169 of the WDR45 protein (p.Ser169Cys). This variant has not been reported in the literature in individuals affected with WDR45-related conditions. Algorithms developed to predict the effect of missense changes on protein structure and function (SIFT, PolyPhen-2, Align-GVGD) all suggest that this variant is likely to be disruptive. In summary, the available evidence is currently insufficient to determine the role of this variant in disease. Therefore, it has been classified as a Variant of Uncertain Significance.

NM_001029896.2(WDR45):c.502A>T (p.Ser168Cys)

Gene: WDR45 (WD repeat domain 45; minus strand). Cytogenetic location: Xp11.23.
Variant type: single nucleotide variant.
Coding change: c.502A>T on transcript NM_001029896.2 (MANE Select); coding-DNA position 502, A replaced by T.
Protein change: p.Ser168Cys; replaces serine 168 with cysteine.
Molecular consequence: missense variant.
Genome position (GRCh38, 1-based): chrX:49,075,880, T>A on the plus strand (A>T on the coding strand, the complement: WDR45 is on the minus strand). VCF-style: chrX-49075880-T-A. GRCh37 (hg19) VCF-style: chrX-48933539-T-A.
Other names: c.505A>T, p.Ser169Cys (NM_007075.4); short protein forms S168C, S169C.
Identifiers: ClinVar variation 2197332 (VCV002197332.4), dbSNP rs2520262119, ClinGen allele CA412945136.
Genomic context (GRCh38, chrX:49,075,880, plus strand): 5'-AAGCCAGTCCACCAACCTACCCACCCTTGTCCACTGGACGGCTCACCACAAGTTGCAGAC[T>A]CCCACACTTGTGTCCCGGGAACACTAGCAGTTGCTTCTCCAGGCTGGGGCAGAGGTCACA-3'
Protein context (NP_001025067.1, residues 158-178): LLVFPGHKCG[Ser168Cys]LQLVDLASTK